The following is an entry in ClinVar:

NM_002471.4(MYH6):c.1662C>T (p.Tyr554=)

Gene: MYH6 (myosin heavy chain 6; minus strand). Cytogenetic location: 14q11.2.
Variant type: single nucleotide variant.
Coding change: c.1662C>T on transcript NM_002471.4 (MANE Select); coding-DNA position 1662, C replaced by T.
Protein change: p.Tyr554=; no amino-acid change (tyrosine 554 retained).
Molecular consequence: synonymous variant.
Genome position (GRCh38, 1-based): chr14:23,398,957, G>A on the plus strand (C>T on the coding strand, the complement: MYH6 is on the minus strand). VCF-style: chr14-23398957-G-A. GRCh37 (hg19) VCF-style: chr14-23868166-G-A.
Identifiers: ClinVar variation 513988 (VCV000513988.27), dbSNP rs374114140, ClinGen allele CA7115726.

ClinVar aggregate classification (germline): Likely benign. Review status: criteria provided, multiple submitters, no conflicts (2 of 4 stars). 8 submissions from 8 submitters: Likely benign (7). 1 of the submissions does not count toward it. Last evaluated 2025-10-01.

Conditions:
Hypertrophic cardiomyopathy 14. Identifiers: MedGen C2750467, MONDO:0013197, OMIM 613251.
MYH6-related disorder. Also called: MYH6-Related Disorders; MYH6-related condition.
Cardiovascular phenotype. Identifiers: MedGen CN230736.
Hypertrophic cardiomyopathy 1 (CMH1). Also called: MYH7-Related Familial Hypertrophic Cardiomyopathy; Familial hypertrophic cardiomyopathy 1. Identifiers: MedGen C3495498, MONDO:0008647, OMIM 192600.
Atrial septal defect 3 (ASD3). Identifiers: Orphanet 1478, MedGen C3279790, MONDO:0013567, OMIM 614089.
Sick sinus syndrome 3, susceptibility to (SSS3). Identifiers: Orphanet 166282, MedGen C3279791, MONDO:0013568, OMIM 614090.
Dilated cardiomyopathy 1EE (CMD1EE). Identifiers: Orphanet 154, MedGen C2750466, MONDO:0013198, OMIM 613252.

Allele frequency attached by ClinVar (database versions not stated): TOPMed 0.00008; gnomAD 0.00010 and 0.00012; 1000 Genomes Project 30x 0.00031; ESP Exome Variant Server 0.00031; 1000 Genomes Project 0.00040.
gnomAD v4.1: 151 of 1,614,062 alleles (0.0094%); highest among the groups gnomAD compares: South Asian, 0.065%; no homozygotes.

Submissions (8):

CeGaT Center for Human Genetics Tuebingen
Classification: Likely benign. Last evaluated: 2025-10-01. Review status: criteria provided, single submitter. Criteria: CeGaT Center For Human Genetics Tuebingen Variant Classification Criteria Version 2. Collection method: clinical testing. Allele origin: germline. Affected: yes. Observed: 1 variant allele.
Comment: MYH6: BP4, BP7

Labcorp Genetics (formerly Invitae), Labcorp
Classification: Likely benign for Hypertrophic cardiomyopathy 14. Last evaluated: 2025-10-01. Review status: criteria provided, single submitter. Criteria: Invitae Variant Classification Sherloc (09022015). Collection method: clinical testing. Allele origin: germline.

Laboratory of Genetics, Children's Clinical University Hospital Latvia
Classification: Likely benign. Last evaluated: 2025-02-16. Review status: criteria provided, single submitter. Criteria: ACMG Guidelines, 2015. Collection method: clinical testing. Allele origin: germline. Affected: yes.

Blueprint Genetics
Classification: Likely benign. Last evaluated: 2024-10-09. Review status: criteria provided, single submitter. Criteria: ACMG Guidelines, 2015. Collection method: clinical testing. Allele origin: germline.

Fulgent Genetics
Classification: Likely benign for Hypertrophic cardiomyopathy 1; Hypertrophic cardiomyopathy 14; Dilated cardiomyopathy 1EE; Atrial septal defect 3; Sick sinus syndrome 3, susceptibility to. Last evaluated: 2021-10-07. Review status: criteria provided, single submitter. Criteria: ACMG Guidelines, 2015. Collection method: clinical testing. Allele origin: unknown.

GeneDx
Classification: Likely benign. Last evaluated: 2017-12-08. Review status: criteria provided, single submitter. Criteria: GeneDx Variant Classification (06012015). Collection method: clinical testing. Allele origin: germline. Affected: yes.
Comment: This variant is considered likely benign or benign based on one or more of the following criteria: it is a conservative change, it occurs at a poorly conserved position in the protein, it is predicted to be benign by multiple in silico algorithms, and/or has population frequency not consistent with disease.

Ambry Genetics
Classification: Likely benign for Cardiovascular phenotype. Last evaluated: 2016-02-25. Review status: criteria provided, single submitter. Criteria: Ambry Variant Classification Scheme 2023. Collection method: clinical testing. Allele origin: germline.

PreventionGenetics, part of Exact Sciences
Classification: Likely benign for MYH6-related condition. Last evaluated: 2020-10-26. Review status: no assertion criteria provided. Collection method: clinical testing. Allele origin: germline. Not counted in ClinVar's aggregate classification.
Comment: This variant is classified as likely benign based on ACMG/AMP sequence variant interpretation guidelines (Richards et al. 2015 PMID: 25741868, with internal and published modifications).